The following is an entry in ClinVar:

NM_032620.4(GTPBP3):c.1175C>G (p.Pro392Arg)

Gene: GTPBP3 (GTP binding protein 3, mitochondrial; plus strand). Cytogenetic location: 19p13.11.
Variant type: single nucleotide variant.
Coding change: c.1175C>G on transcript NM_032620.4 (MANE Select); coding-DNA position 1175, C replaced by G.
Protein change: p.Pro392Arg; replaces proline 392 with arginine.
Molecular consequence: missense variant.
Genome position (GRCh38, 1-based): chr19:17,341,244, C>G. VCF-style: chr19-17341244-C-G. GRCh37 (hg19) VCF-style: chr19-17452053-C-G.
Other names: p.Pro424Arg; c.1112C>G, p.Pro371Arg (NM_001128855.3); c.1241C>G, p.Pro414Arg (NM_001195422.1); c.1271C>G, p.Pro424Arg (NM_133644.4); short protein forms P371R, P414R, P392R, P424R.
Identifiers: ClinVar variation 693994 (VCV000693994.19), dbSNP rs149578279, ClinGen allele CA9293658.
Genomic context (GRCh38, chr19:17,341,244, plus strand): 5'-TGCTGAACAAGTCGGACCTGCTGTCCCCGGAGGGCCCAGGTCCCGGTCCTGACCTGCCCC[C>G]GCACCTGCTGCTGTCCTGTCTGACGGGAGAGGGGCTGGACGGCCTCCTGGAGGCGCTGAG-3'
Protein context (NP_116009.2, residues 382-402): EGPGPGPDLP[Pro392Arg]HLLLSCLTGE

ClinVar aggregate classification (germline): Conflicting classifications of pathogenicity. Review status: criteria provided, conflicting classifications (1 of 4 stars). 8 submissions from 8 submitters: Uncertain significance (1); Benign (1); Likely benign (5). 1 of the submissions does not count toward it. Last evaluated 2026-01-28.

Conditions:
GTPBP3-related disorder. Also called: GTPBP3-related condition.
Combined oxidative phosphorylation defect type 23. Also called: Combined oxidative phosphorylation deficiency 23. Identifiers: Orphanet 444013, MedGen C5567743, MONDO:0014525, OMIM 616198.

Allele frequency attached by ClinVar (database versions not stated): ExAC 0.00071; 1000 Genomes Project 0.00200; 1000 Genomes Project 30x 0.00203; gnomAD 0.00238 and 0.00256; TOPMed 0.00298; ESP Exome Variant Server 0.00208.
gnomAD v4.1: 699 of 1,606,936 alleles (0.043%); highest among the groups gnomAD compares: African/African-American, 0.81%; 2 homozygotes.

Submissions (8):

Labcorp Genetics (formerly Invitae), Labcorp
Classification: Likely benign. Last evaluated: 2026-01-28. Review status: criteria provided, single submitter. Criteria: Invitae Variant Classification Sherloc (09022015). Collection method: clinical testing. Allele origin: germline.

Mayo Clinic Laboratories, Mayo Clinic
Classification: Likely benign. Last evaluated: 2025-06-26. Review status: criteria provided, single submitter. Criteria: ACMG Guidelines, 2015. Collection method: clinical testing. Allele origin: germline. Observed: 4 variant alleles.
Comment: BS1, BP4

Blueprint Genetics
Classification: Uncertain significance. Last evaluated: 2024-10-18. Review status: criteria provided, single submitter. Criteria: ACMG Guidelines, 2015. Collection method: clinical testing. Allele origin: germline.

Fulgent Genetics
Classification: Likely benign for Combined oxidative phosphorylation defect type 23. Last evaluated: 2022-04-06. Review status: criteria provided, single submitter. Criteria: ACMG Guidelines, 2015. Collection method: clinical testing. Allele origin: unknown.

GeneDx
Classification: Likely benign. Last evaluated: 2020-09-01. Review status: criteria provided, single submitter. Criteria: GeneDx Variant Classification Process June 2021. Collection method: clinical testing. Allele origin: germline. Affected: yes.

Johns Hopkins Genomics, Johns Hopkins University
Classification: Benign for Combined oxidative phosphorylation defect type 23. Last evaluated: 2019-08-30. Review status: criteria provided, single submitter. Criteria: ACMG Guidelines, 2015. Collection method: clinical testing. Allele origin: germline.

Breakthrough Genomics
Classification: Likely benign. Review status: criteria provided, single submitter. Criteria: ACMG Guidelines, 2015. Collection method: not provided. Allele origin: germline. Inheritance: Autosomal recessive inheritance. Affected: yes.

PreventionGenetics, part of Exact Sciences
Classification: Benign for GTPBP3-related condition. Last evaluated: 2019-10-01. Review status: no assertion criteria provided. Collection method: clinical testing. Allele origin: germline. Not counted in ClinVar's aggregate classification.
Comment: This variant is classified as benign based on ACMG/AMP sequence variant interpretation guidelines (Richards et al. 2015 PMID: 25741868, with internal and published modifications).

Literature cited by the submitters: PubMed 37923198 (cited by Mayo Clinic Laboratories, Mayo Clinic).